The following is an entry in ClinVar:

ClinVar aggregate classification (germline): Uncertain significance. Review status: criteria provided, multiple submitters, no conflicts (2 of 4 stars). 2 submissions from 2 submitters: Uncertain significance (2). Last evaluated 2025-08-31.

Allele frequency attached by ClinVar (database versions not stated): gnomAD 0.00003.
gnomAD v4.1: 10 of 1,091,728 alleles (0.00092%); highest among the groups gnomAD compares: South Asian, 0.024%; no homozygotes.

Submissions (2):

Ambry Genetics
Classification: Uncertain significance. Last evaluated: 2025-08-31. Review status: criteria provided, single submitter. Criteria: Ambry Variant Classification Scheme 2023. Collection method: clinical testing. Allele origin: germline.

Labcorp Genetics (formerly Invitae), Labcorp
Classification: Uncertain significance. Last evaluated: 2023-12-07. Review status: criteria provided, single submitter. Criteria: Invitae Variant Classification Sherloc (09022015). Collection method: clinical testing. Allele origin: germline.
Comment: This sequence change replaces aspartic acid, which is acidic and polar, with glutamic acid, which is acidic and polar, at codon 942 of the CACNA1B protein (p.Asp942Glu). This variant is not present in population databases (gnomAD no frequency). This variant has not been reported in the literature in individuals affected with CACNA1B-related conditions. ClinVar contains an entry for this variant (Variation ID: 2413944). Advanced modeling of protein sequence and biophysical properties (such as structural, functional, and spatial information, amino acid conservation, physicochemical variation, residue mobility, and thermodynamic stability) performed at Invitae indicates that this missense variant is not expected to disrupt CACNA1B protein function with a negative predictive value of 80%. In summary, the available evidence is currently insufficient to determine the role of this variant in disease. Therefore, it has been classified as a Variant of Uncertain Significance.

NM_000718.4(CACNA1B):c.2826T>G (p.Asp942Glu)

Gene: CACNA1B (calcium voltage-gated channel subunit alpha1 B; plus strand). Cytogenetic location: 9q34.3.
Variant type: single nucleotide variant.
Coding change: c.2826T>G on transcript NM_000718.4 (MANE Select); coding-DNA position 2826, T replaced by G.
Protein change: p.Asp942Glu; replaces aspartic acid 942 with glutamic acid.
Molecular consequence: missense variant.
Genome position (GRCh38, 1-based): chr9:138,023,569, T>G. VCF-style: chr9-138023569-T-G. GRCh37 (hg19) VCF-style: chr9-140918021-T-G.
Other names: c.2826T>G (NM_000718.3); c.2826T>G, p.Asp942Glu (NM_001243812.2); short protein forms D942E.
Identifiers: ClinVar variation 2413944 (VCV002413944.7), dbSNP rs1252150197, ClinGen allele CA375810216.